The following is an entry in ClinVar:

NM_001077207.4(SEC31A):c.2833C>T (p.Pro945Ser)

Gene: SEC31A (SEC31 homolog A, COPII coat complex component; minus strand). Cytogenetic location: 4q21.22.
Variant type: single nucleotide variant.
Coding change: c.2833C>T on transcript NM_001077207.4 (MANE Select); coding-DNA position 2833, C replaced by T.
Protein change: p.Pro945Ser; replaces proline 945 with serine.
Molecular consequence: missense variant. On other transcripts: intron variant (9).
Genome position (GRCh38, 1-based): chr4:82,842,275, G>A on the plus strand (C>T on the coding strand, the complement: SEC31A is on the minus strand). VCF-style: chr4-82842275-G-A. GRCh37 (hg19) VCF-style: chr4-83763428-G-A.
Other names: NM_014933.3:c.2833C>T; c.2833C>T, p.Pro945Ser (NM_001077208.4, NM_001318119.2, NM_001318120.2 and 10 more transcripts); c.2818C>T, p.Pro940Ser (NM_001191049.2, NM_001400212.1, NM_001400214.1); c.2716C>T, p.Pro906Ser (NM_001300745.3, NM_001400198.1, NM_001400202.1 and 4 more transcripts); c.2926C>T, p.Pro976Ser (NM_001400154.1, NM_001400155.1, NM_001400156.1); c.2848C>T, p.Pro950Ser (NM_001400160.1); c.2809C>T, p.Pro937Ser (NM_001400161.1, NM_001400167.1, NM_001400168.1); c.2887C>T, p.Pro963Ser (NM_001400162.1); and 8 more; short protein forms P787S, P852S, P906S, P919S, P932S, P937S, P940S, P945S.
Identifiers: ClinVar variation 2637544 (VCV002637544.2), dbSNP rs150467054, ClinGen allele CA2986184.
Genomic context (GRCh38, chr4:82,842,275, plus strand): 5'-AAGATGATGGTGGAGCTCCTGGTCCGCCATGCTGGAAGGATGCTCCAGAGGAAGGGGGAG[G>A]AGGGAAAGAAGTAGCAGGGCTGGAGGTAGGTGAAGAGGCCTGGTGCTGTGCTGCGTACAG-3'
Protein context (NP_001070675.1, residues 935-955): PTSSPATSFP[Pro945Ser]PPSSGASFQH

ClinVar aggregate classification (germline): Uncertain significance. Review status: criteria provided, multiple submitters, no conflicts (2 of 4 stars). 2 submissions from 2 submitters: Uncertain significance (2). Last evaluated 2024-06-28.

Allele frequency attached by ClinVar (database versions not stated): gnomAD exomes 0.00002; ExAC 0.00007; ESP Exome Variant Server 0.00015; gnomAD 0.00015; TOPMed 0.00015.
gnomAD v4.1: 49 of 1,613,902 alleles (0.003%); highest among the groups gnomAD compares: African/African-American, 0.06%; no homozygotes.

Submissions (2):

Ambry Genetics
Classification: Uncertain significance. Last evaluated: 2024-06-28. Review status: criteria provided, single submitter. Criteria: Ambry Variant Classification Scheme 2023. Collection method: clinical testing. Allele origin: germline.

Women's Health and Genetics/Laboratory Corporation of America, LabCorp
Classification: Uncertain significance. Last evaluated: 2023-10-30. Review status: criteria provided, single submitter. Criteria: LabCorp Variant Classification Summary - May 2015. Collection method: clinical testing. Allele origin: germline.
Comment: Variant summary: SEC31A c.2626+2111C>T (also known as c.2716C>T/p.Pro906Ser in NM_016211) is located at a position not widely known to affect splicing. Consensus agreement among computation tools predict no significant impact on normal splicing. However, these predictions have yet to be confirmed by functional studies. The variant allele was found at a frequency of 5.2e-05 in 250656 control chromosomes (gnomAD). To our knowledge, no occurrence of c.2626+2111C>T in individuals affected with Neurodevelopmental Disorder With Spastic Quadriplegia, Optic Atrophy, Seizures, And Structural Brain Anomalies and no experimental evidence demonstrating its impact on protein function have been reported. No submitters have cited clinical-significance assessments for this variant to ClinVar after 2014. Based on the evidence outlined above, the variant was classified as VUS.